The following is an entry in ClinVar:

ClinVar aggregate classification (germline): Uncertain significance (1 of 4 stars; one submission).

Conditions:
Werner syndrome (WRN). Identifiers: Orphanet 902, MedGen C0043119, MONDO:0010196, OMIM 277700.

gnomAD v4.1: 1 of 1,613,820 alleles (0.000062%); highest among the groups gnomAD compares: African/African-American, 0.0013%; no homozygotes.

Submission:

Labcorp Genetics (formerly Invitae), Labcorp
Classification: Uncertain significance for Werner syndrome. Last evaluated: 2022-09-21. Review status: criteria provided, single submitter. Criteria: Invitae Variant Classification Sherloc (09022015). Collection method: clinical testing. Allele origin: germline.
Comment: This sequence change replaces isoleucine, which is neutral and non-polar, with leucine, which is neutral and non-polar, at codon 1183 of the WRN protein (p.Ile1183Leu). This variant is not present in population databases (gnomAD no frequency). This variant has not been reported in the literature in individuals affected with WRN-related conditions. Algorithms developed to predict the effect of missense changes on protein structure and function are either unavailable or do not agree on the potential impact of this missense change (SIFT: "Not Available"; PolyPhen-2: "Benign"; Align-GVGD: "Not Available"). In summary, the available evidence is currently insufficient to determine the role of this variant in disease. Therefore, it has been classified as a Variant of Uncertain Significance.

NM_000553.6(WRN):c.3547A>T (p.Ile1183Leu)

Gene: WRN (WRN RecQ like helicase; plus strand). Cytogenetic location: 8p12.
Variant type: single nucleotide variant.
Coding change: c.3547A>T on transcript NM_000553.6 (MANE Select); coding-DNA position 3547, A replaced by T.
Protein change: p.Ile1183Leu; replaces isoleucine 1183 with leucine.
Molecular consequence: missense variant.
Genome position (GRCh38, 1-based): chr8:31,147,451, A>T. VCF-style: chr8-31147451-A-T. GRCh37 (hg19) VCF-style: chr8-31004967-A-T.
Other names: short protein forms I1183L.
Identifiers: ClinVar variation 1962072 (VCV001962072.2), dbSNP rs1345787894, ClinGen allele CA370926055.